The following is an entry in ClinVar:

NM_020754.4(ARHGAP31):c.638A>C (p.Asp213Ala)

Gene: ARHGAP31 (Rho GTPase activating protein 31; plus strand). Cytogenetic location: 3q13.33.
Variant type: single nucleotide variant.
Coding change: c.638A>C on transcript NM_020754.4 (MANE Select); coding-DNA position 638, A replaced by C.
Protein change: p.Asp213Ala; replaces aspartic acid 213 with alanine.
Molecular consequence: missense variant.
Genome position (GRCh38, 1-based): chr3:119,383,182, A>C. VCF-style: chr3-119383182-A-C. GRCh37 (hg19) VCF-style: chr3-119102029-A-C.
Other names: short protein forms D213A.
Identifiers: ClinVar variation 4697568 (VCV004697568.1).

ClinVar aggregate classification (germline): Uncertain significance (1 of 4 stars; one submission).

Submission:

Labcorp Genetics (formerly Invitae), Labcorp
Classification: Uncertain significance. Last evaluated: 2025-04-17. Review status: criteria provided, single submitter. Criteria: Invitae Variant Classification Sherloc (09022015). Collection method: clinical testing. Allele origin: germline.
Comment: This sequence change replaces aspartic acid, which is acidic and polar, with alanine, which is neutral and non-polar, at codon 213 of the ARHGAP31 protein (p.Asp213Ala). This variant is not present in population databases (gnomAD no frequency). This variant has not been reported in the literature in individuals affected with ARHGAP31-related conditions. An algorithm developed to predict the effect of missense changes on protein structure and function (PolyPhen-2) suggests that this variant is likely to be tolerated. In summary, the available evidence is currently insufficient to determine the role of this variant in disease. Therefore, it has been classified as a Variant of Uncertain Significance.